The following is an entry in ClinVar:

NM_000179.3(MSH6):c.4036_4049dup (p.His1351fs)

Gene: MSH6 (mutS homolog 6; plus strand). Cytogenetic location: 2p16.3.
Variant type: Duplication.
Coding change: c.4036_4049dup on transcript NM_000179.3 (MANE Select); coding-DNA positions 4036 to 4049, 14 bases duplicated (GATGCTGAAGCTGT).
Protein change: p.His1351fs; shifts the reading frame from histidine 1351.
Molecular consequence: frameshift variant.
Genome position (GRCh38, 1-based): chr2:47,806,813-47,806,826, GATGCTGAAGCTGT duplicated. VCF-style (leftmost placement, unchanged base first): chr2-47806812-A-AGATGCTGAAGCTGT. GRCh37 (hg19) VCF-style: chr2-48033951-A-AGATGCTGAAGCTGT.
Other names: c.3646_3659dup, p.His1221fs (NM_001281492.2); c.3130_3143dup, p.His1049fs (NM_001281493.2, NM_001281494.2); c.4132_4145dup, p.His1383Metfs (NM_001406795.1); c.4036_4049dup, p.His1351Metfs (NM_001406796.1, NM_001406809.1); c.3739_3752dup, p.His1252Metfs (NM_001406797.1, NM_001406805.1, NM_001406818.1 and 8 more transcripts); c.3862_3875dup, p.His1293Metfs (NM_001406798.1); c.3511_3524dup, p.His1176Metfs (NM_001406799.1, NM_001406806.1, NM_001406807.1); c.*57_*70dup (NM_001406800.1); and 10 more; short protein forms H1221fs, H1049fs, H1351fs.
Identifiers: ClinVar variation 2023630 (VCV002023630.4), dbSNP rs2530895030, ClinGen allele CA2580067594.

ClinVar aggregate classification (germline): Uncertain significance (1 of 4 stars; one submission).

Conditions:
Hereditary nonpolyposis colorectal neoplasms. Identifiers: MedGen C0009405, MeSH D003123.

Submission:

Labcorp Genetics (formerly Invitae), Labcorp
Classification: Uncertain significance for Hereditary nonpolyposis colorectal neoplasms. Last evaluated: 2022-08-12. Review status: criteria provided, single submitter. Criteria: Invitae Variant Classification Sherloc (09022015). Collection method: clinical testing. Allele origin: germline.
Comment: In summary, the available evidence is currently insufficient to determine the role of this variant in disease. Therefore, it has been classified as a Variant of Uncertain Significance. Experimental studies and prediction algorithms are not available or were not evaluated, and the functional significance of this variant is currently unknown. This variant has not been reported in the literature in individuals affected with MSH6-related conditions. This variant is not present in population databases (gnomAD no frequency). This sequence change creates a premature translational stop signal (p.His1351Metfs*9) in the MSH6 gene. While this is not anticipated to result in nonsense mediated decay, it is expected to disrupt the last 10 amino acid(s) of the MSH6 protein.